The following is an entry in ClinVar:

ClinVar aggregate classification (germline): Likely benign (1 of 4 stars; one submission).

gnomAD v4.1: 6 of 1,614,006 alleles (0.00037%); highest among the groups gnomAD compares: Non-Finnish European, 0.00051%; no homozygotes.

Submission:

CeGaT Center for Human Genetics Tuebingen
Classification: Likely benign. Last evaluated: 2024-09-01. Review status: criteria provided, single submitter. Criteria: CeGaT Center For Human Genetics Tuebingen Variant Classification Criteria Version 2. Collection method: clinical testing. Allele origin: germline. Affected: yes. Observed: 1 variant allele.
Comment: ARID2: BP4

NM_152641.4(ARID2):c.2219A>G (p.Gln740Arg)

Gene: ARID2 (AT-rich interaction domain 2; plus strand). Cytogenetic location: 12q12.
Variant type: single nucleotide variant.
Coding change: c.2219A>G on transcript NM_152641.4 (MANE Select); coding-DNA position 2219, A replaced by G.
Protein change: p.Gln740Arg; replaces glutamine 740 with arginine.
Molecular consequence: missense variant.
Genome position (GRCh38, 1-based): chr12:45,850,342, A>G. VCF-style: chr12-45850342-A-G. GRCh37 (hg19) VCF-style: chr12-46244125-A-G.
Other names: c.2219A>G, p.Gln740Arg (NM_001347839.2); short protein forms Q740R.
Identifiers: ClinVar variation 3388775 (VCV003388775.14).